The following is an entry in ClinVar:

NM_001197104.2(KMT2A):c.3563G>T (p.Cys1188Phe)

Gene: KMT2A (lysine methyltransferase 2A; plus strand). Cytogenetic location: 11q23.3.
Variant type: single nucleotide variant.
Coding change: c.3563G>T on transcript NM_001197104.2 (MANE Select); coding-DNA position 3563, G replaced by T.
Protein change: p.Cys1188Phe; replaces cysteine 1188 with phenylalanine.
Molecular consequence: missense variant.
Genome position (GRCh38, 1-based): chr11:118,478,195, G>T. VCF-style: chr11-118478195-G-T. GRCh37 (hg19) VCF-style: chr11-118348910-G-T.
Other names: c.3563G>T, p.Cys1188Phe (NM_005933.4); short protein forms C1188F.
Identifiers: ClinVar variation 1186022 (VCV001186022.2), dbSNP rs2134287683, ClinGen allele CA382825254.

ClinVar aggregate classification (germline): Pathogenic (1 of 4 stars; one submission).

Submission:

GeneDx
Classification: Pathogenic. Last evaluated: 2019-11-08. Review status: criteria provided, single submitter. Criteria: GeneDx Variant Classification Process June 2021. Collection method: clinical testing. Allele origin: germline. Affected: yes.
Comment: Not observed in large population cohorts (Lek et al., 2016); In silico analysis, which includes protein predictors and evolutionary conservation, supports a deleterious effect; Has not been previously published as pathogenic or benign to our knowledge